The following is an entry in ClinVar:

NM_001844.5(COL2A1):c.4419C>T (p.Pro1473=)

Gene: COL2A1 (collagen type II alpha 1 chain; minus strand). Cytogenetic location: 12q13.11.
Variant type: single nucleotide variant.
Coding change: c.4419C>T on transcript NM_001844.5 (MANE Select); coding-DNA position 4419, C replaced by T.
Protein change: p.Pro1473=; no amino-acid change (proline 1473 retained).
Molecular consequence: synonymous variant.
Genome position (GRCh38, 1-based): chr12:47,973,452, G>A on the plus strand (C>T on the coding strand, the complement: COL2A1 is on the minus strand). VCF-style: chr12-47973452-G-A. GRCh37 (hg19) VCF-style: chr12-48367235-G-A.
Other names: c.4212C>T, p.Pro1404= (NM_033150.3).
Identifiers: ClinVar variation 1125241 (VCV001125241.15), dbSNP rs775923357, ClinGen allele CA6534458.
Genomic context (GRCh38, chr12:47,973,452, plus strand): 5'-TCTGGGTTCAGGTTTTTACAAGAAGCAGACCGGCCCTATGTCCACACCGAATTCCTGCTC[G>A]GGCCCTCCTATGTCCATGGGTGCAATGTCAATGATGGGGAGGCGTGAGGTCTTCTGTGAC-3'
Protein context (NP_001835.3, residues 1463-1483): IDIAPMDIGG[Pro1473=]EQEFGVDIGP

ClinVar aggregate classification (germline): Likely benign. Review status: criteria provided, multiple submitters, no conflicts (2 of 4 stars). 5 submissions from 5 submitters: Likely benign (4). 1 of the submissions does not count toward it. Last evaluated 2025-09-21.

Conditions:
COL2A1-related disorder. Also called: COL2A1-related condition; COL2A1-related disorders.
Achondrogenesis type II (ACG2). Also called: ACHONDROGENESIS, LANGER-SALDINO TYPE; CHONDROGENESIS IMPERFECTA. Identifiers: Orphanet 932, Orphanet 93296, MedGen C0220685, MONDO:0008702, OMIM 200610.
Multiple epiphyseal dysplasia, Beighton type. Identifiers: Orphanet 166011, MedGen C1851536, MONDO:0007562, OMIM 132450.
Legg-Calve-Perthes disease. Also called: PERTHES DISEASE; Avascular necrosis of the capital femoral epiphysis; Osteochondritis deformans; Coxa plana. Identifiers: Orphanet 2380, MedGen C1442965, MONDO:0007885, OMIM 150600, HP:0005743.
Kniest dysplasia. Identifiers: Orphanet 485, MedGen C0265279, MONDO:0007987, OMIM 156550.
Spondyloepiphyseal dysplasia, Stanescu type. Also called: SED, STANESCU TYPE; SPONDYLOEPIMETAPHYSEAL DYSPLASIA, STANESCU TYPE. Identifiers: Orphanet 459051, MedGen C4225273, MONDO:0014701, OMIM 616583.
Spondyloepiphyseal dysplasia with metatarsal shortening. Also called: CZECH DYSPLASIA, METATARSAL TYPE; SPONDYLOEPIPHYSEAL DYSPLASIA WITH PRECOCIOUS OSTEOARTHRITIS; Pseudorheumatoid dysplasia progressive, with hypoplastic toes. Identifiers: Orphanet 137678, MedGen C1836683, MONDO:0012206, OMIM 609162.
Avascular necrosis of femoral head, primary, 1 (ANFH1). Also called: Avascular necrosis of femoral head, primary. Identifiers: Orphanet 86820, MedGen C4551562, MONDO:0054550, OMIM 608805.
Spondyloepiphyseal dysplasia congenita (SEDC). Also called: SED CONGENITA; SPONDYLOEPIPHYSEAL DYSPLASIA, CONGENITAL TYPE. Identifiers: Orphanet 94068, MedGen C2745959, MONDO:0008471, OMIM 183900.
Stickler syndrome, type I, nonsyndromic ocular. Also called: STICKLER SYNDROME, TYPE I, PREDOMINANTLY OCULAR; STICKLER SYNDROME, ATYPICAL. Identifiers: MedGen C1836080, MONDO:0012287, OMIM 609508.
Spondyloepimetaphyseal dysplasia, Strudwick type (SEMDSTWK). Also called: DAPPLED METAPHYSIS SYNDROME; STRUDWICK SYNDROME. Identifiers: Orphanet 93346, MedGen C0700635, MONDO:0008476, OMIM 184250.
Stickler syndrome type 1 (STL1). Also called: ARTHROOPHTHALMOPATHY, HEREDITARY PROGRESSIVE; STICKLER SYNDROME, MEMBRANOUS VITREOUS TYPE; STICKLER SYNDROME, VITREOUS TYPE 1; COL2A1-Related Stickler Syndrome. Identifiers: Orphanet 828, Orphanet 90653, MedGen C2020284, MONDO:0007160, OMIM 108300.
Spondyloperipheral dysplasia. Also called: Spondyloperipheral dysplasia-short ulna syndrome; SPONDYLOPERIPHERAL DYSPLASIA WITH SHORT ULNA. Identifiers: Orphanet 1856, MedGen C0796173, MONDO:0010078, OMIM 271700.
Platyspondylic dysplasia, Torrance type (PLSDT). Identifiers: Orphanet 85166, MedGen C1835437, MONDO:0007895, OMIM 151210.
Spondylometaphyseal dysplasia - Sutcliffe type. Also called: Spondylometaphyseal Dysplasia, Corner Fracture Type; Spondylometaphyseal dysplasia, 'corner fracture' type; Sutcliffe type of spondylometaphyseal dysplasia; Sutcliffe SMD. Identifiers: Orphanet 93315, MedGen C0432221, MONDO:0008479, OMIM 184255.
Namaqualand hip dysplasia (OSCDP). Also called: Mild spondyloepiphyseal dysplasia due to COL2A1 mutation with early-onset osteoarthritis. Identifiers: Orphanet 93279, MedGen C0432214, MONDO:0011496, OMIM 604864.
Vitreoretinopathy with phalangeal epiphyseal dysplasia (VPED). Identifiers: MedGen C1852989, MONDO:0031001, OMIM 619248.

Allele frequency attached by ClinVar (database versions not stated): gnomAD exomes 0.00002 and 0.00005; ExAC 0.00003; gnomAD 0.00014 and 0.00015; TOPMed 0.00016.
gnomAD v4.1: 50 of 1,613,964 alleles (0.0031%); highest among the groups gnomAD compares: African/African-American, 0.045%; no homozygotes.

Submissions (5):

Labcorp Genetics (formerly Invitae), Labcorp
Classification: Likely benign. Last evaluated: 2025-09-21. Review status: criteria provided, single submitter. Criteria: Invitae Variant Classification Sherloc (09022015). Collection method: clinical testing. Allele origin: germline.

Blueprint Genetics
Classification: Likely benign. Last evaluated: 2024-11-25. Review status: criteria provided, single submitter. Criteria: ACMG Guidelines, 2015. Collection method: clinical testing. Allele origin: germline.

Fulgent Genetics
Classification: Likely benign for Stickler syndrome type 1; Multiple epiphyseal dysplasia, Beighton type; Legg-Calve-Perthes disease; Platyspondylic dysplasia, Torrance type; Kniest dysplasia; Spondyloepiphyseal dysplasia congenita; Spondyloepimetaphyseal dysplasia, Strudwick type; Spondylometaphyseal dysplasia - Sutcliffe type; Achondrogenesis type II; Spondyloperipheral dysplasia; Namaqualand hip dysplasia; Avascular necrosis of femoral head, primary, 1; Spondyloepiphyseal dysplasia with metatarsal shortening; Stickler syndrome, type I, nonsyndromic ocular; Spondyloepiphyseal dysplasia, Stanescu type; Vitreoretinopathy with phalangeal epiphyseal dysplasia. Last evaluated: 2021-09-08. Review status: criteria provided, single submitter. Criteria: ACMG Guidelines, 2015. Collection method: clinical testing. Allele origin: unknown.

GeneDx
Classification: Likely benign. Last evaluated: 2021-01-20. Review status: criteria provided, single submitter. Criteria: GeneDx Variant Classification Process June 2021. Collection method: clinical testing. Allele origin: germline. Affected: yes.

PreventionGenetics, part of Exact Sciences
Classification: Likely benign for COL2A1-related condition. Last evaluated: 2022-07-25. Review status: no assertion criteria provided. Collection method: clinical testing. Allele origin: germline. Not counted in ClinVar's aggregate classification.
Comment: This variant is classified as likely benign based on ACMG/AMP sequence variant interpretation guidelines (Richards et al. 2015 PMID: 25741868, with internal and published modifications).